The following is an entry in ClinVar:

ClinVar aggregate classification (germline): Uncertain significance (1 of 4 stars; one submission).

Submission:

Labcorp Genetics (formerly Invitae), Labcorp
Classification: Uncertain significance. Last evaluated: 2023-12-19. Review status: criteria provided, single submitter. Criteria: Invitae Variant Classification Sherloc (09022015). Collection method: clinical testing. Allele origin: germline.
Comment: This sequence change replaces arginine, which is basic and polar, with lysine, which is basic and polar, at codon 1058 of the BPTF protein (p.Arg1058Lys). This variant is not present in population databases (gnomAD no frequency). This variant has not been reported in the literature in individuals affected with BPTF-related conditions. An algorithm developed to predict the effect of missense changes on protein structure and function (PolyPhen-2) suggests that this variant is likely to be disruptive. In summary, the available evidence is currently insufficient to determine the role of this variant in disease. Therefore, it has been classified as a Variant of Uncertain Significance.

NM_182641.4(BPTF):c.2795G>A (p.Arg932Lys)

Gene: BPTF (bromodomain PHD finger transcription factor; plus strand). Cytogenetic location: 17q24.2.
Variant type: single nucleotide variant.
Coding change: c.2795G>A on transcript NM_182641.4 (MANE Select); coding-DNA position 2795, G replaced by A.
Protein change: p.Arg932Lys; replaces arginine 932 with lysine.
Molecular consequence: missense variant.
Genome position (GRCh38, 1-based): chr17:67,904,823, G>A. VCF-style: chr17-67904823-G-A. GRCh37 (hg19) VCF-style: chr17-65900939-G-A.
Other names: c.3173G>A, p.Arg1058Lys (NM_004459.7); short protein forms R932K, R1058K.
Identifiers: ClinVar variation 2808458 (VCV002808458.3), dbSNP rs2511280139, ClinGen allele CA400722545.
Genomic context (GRCh38, chr17:67,904,823, plus strand): 5'-GTAAAACTCATGTTTATAGGTTTGTTCCTAAATTGCCAGGCAATACTAATGTGAATTACA[G>A]AAAGTCGTTAGAAGGAAGTAAGTAATTAAAATTACATGTCCTGCATAATCGTTTCTGCTT-3'
Protein context (NP_872579.2, residues 922-942): KLPGNTNVNY[Arg932Lys]KSLEGTKNNM